The following is an entry in ClinVar:

NM_000135.4(FANCA):c.80-8C>G

Gene: FANCA (FA complementation group A; minus strand). Cytogenetic location: 16q24.3.
Variant type: single nucleotide variant.
Coding change: c.80-8C>G on transcript NM_000135.4 (MANE Select); 8 bases into the intron before coding-DNA position 80, C replaced by G.
Molecular consequence: intron variant.
Genome position (GRCh38, 1-based): chr16:89,815,994, G>C on the plus strand (C>G on the coding strand, the complement: FANCA is on the minus strand). VCF-style: chr16-89815994-G-C. GRCh37 (hg19) VCF-style: chr16-89882402-G-C.
Other names: c.80-8C>G (NM_001286167.3, NM_001351830.2, NM_001018112.3 and 1 more transcripts).
Identifiers: ClinVar variation 702648 (VCV000702648.10), dbSNP rs749080227, ClinGen allele CA915949442.

ClinVar aggregate classification (germline): Conflicting classifications of pathogenicity. Review status: criteria provided, conflicting classifications (1 of 4 stars). 3 submissions from 3 submitters: Uncertain significance (1); Likely benign (1). 1 of the submissions does not count toward it. Last evaluated 2025-10-28.

Conditions:
Fanconi anemia (FA). Also called: Fanconi's anemia. Identifiers: Orphanet 84, MedGen C0015625, MeSH D005199, MONDO:0019391.
Fanconi anemia complementation group A (FANCA). Also called: Fanconi anemia, group A; FANCA-Related Fanconi Anemia. Identifiers: Orphanet 84, MedGen C3469521, MONDO:0009215, OMIM 227650.

Allele frequency attached by ClinVar (database versions not stated): TOPMed below 0.00001.
gnomAD v4.1: 22 of 1,606,640 alleles (0.0014%); highest among the groups gnomAD compares: Non-Finnish European, 0.0019%; no homozygotes.

Submissions (3):

Quest Diagnostics Nichols Institute San Juan Capistrano
Classification: Uncertain significance. Last evaluated: 2025-10-28. Review status: criteria provided, single submitter. Criteria: Quest Diagnostics criteria. Collection method: clinical testing. Allele origin: unknown.
Comment: The FANCA c.80-8C>G variant has not been reported in individuals with FANCA-related conditions in the published literature. This variant has not been reported in large, multi-ethnic general populations (Genome Aggregation Database). Analysis of this variant using software algorithms for the prediction of the effect of nucleotide changes on FANCA mRNA splicing yielded inconclusive findings. Based on the available information, we are unable to determine the clinical significance of this variant.

Labcorp Genetics (formerly Invitae), Labcorp
Classification: Likely benign for Fanconi anemia. Last evaluated: 2023-11-04. Review status: criteria provided, single submitter. Criteria: Invitae Variant Classification Sherloc (09022015). Collection method: clinical testing. Allele origin: germline.

Natera, Inc.
Classification: Uncertain significance for Fanconi anemia, group A. Last evaluated: 2020-03-11. Review status: no assertion criteria provided. Collection method: clinical testing. Allele origin: germline. Not counted in ClinVar's aggregate classification.